The following is an entry in ClinVar:

ClinVar aggregate classification (germline): Likely pathogenic (1 of 4 stars; one submission).

Submission:

Mayo Clinic Laboratories, Mayo Clinic
Classification: Likely pathogenic. Last evaluated: 2022-05-19. Review status: criteria provided, single submitter. Criteria: ACMG Guidelines, 2015. Collection method: clinical testing. Allele origin: germline. Observed: 1 variant allele.
Comment: PM2, PVS1_strong

Literature cited by the submitters: PubMed 23643381; PubMed 33442024; PubMed 34095692.

NM_006941.4(SOX10):c.1236T>A (p.Tyr412Ter)

Genes: POLR2F (RNA polymerase II, I and III subunit F; plus strand), SOX10 (SRY-box transcription factor 10; minus strand). Cytogenetic location: 22q13.1.
Variant type: single nucleotide variant.
Coding change: c.1236T>A on transcript NM_006941.4 (MANE Select); coding-DNA position 1236, T replaced by A.
Protein change: p.Tyr412Ter; replaces tyrosine 412 with a stop codon.
Molecular consequence: nonsense. On other transcripts: intron variant (3).
Genome position (GRCh38, 1-based): chr22:37,973,660, A>T on the plus strand (T>A on the coding strand, the complement: SOX10 is on the minus strand). VCF-style: chr22-37973660-A-T. GRCh37 (hg19) VCF-style: chr22-38369667-A-T.
Other names: p.Tyr412*; c.*38+1350A>T (NM_001363825.1); c.293+6490A>T (NM_001301130.2, NM_001301131.2); short protein forms Y412*.
Identifiers: ClinVar variation 2683614 (VCV002683614.1), dbSNP rs772518921, ClinGen allele CA411489392.